The following is an entry in ClinVar:

NM_001458.5(FLNC):c.1676+1G>A

Gene: FLNC (filamin C; plus strand). Cytogenetic location: 7q32.1.
Variant type: single nucleotide variant.
Coding change: c.1676+1G>A on transcript NM_001458.5 (MANE Select); the canonical splice donor site of the intron after coding-DNA position 1676, G replaced by A.
Molecular consequence: splice donor variant.
Genome position (GRCh38, 1-based): chr7:128,840,675, G>A. VCF-style: chr7-128840675-G-A. GRCh37 (hg19) VCF-style: chr7-128480729-G-A.
Other names: c.1676+1G>A (NM_001127487.2).
Identifiers: ClinVar variation 478123 (VCV000478123.8), dbSNP rs111452612, ClinGen allele CA369226826.

ClinVar aggregate classification (germline): Likely pathogenic (1 of 4 stars; one submission).

Conditions:
Hypertrophic cardiomyopathy 26. Also called: Cardiomyopathy, familial hypertrophic, 26. Identifiers: Orphanet 75249, MedGen C4310749, MONDO:0014883, OMIM 617047.
Distal myopathy with posterior leg and anterior hand involvement. Also called: WILLIAMS DISTAL MYOPATHY. Identifiers: Orphanet 63273, MedGen C3279722, MONDO:0013550, OMIM 614065.
Myofibrillar myopathy 5. Also called: Filaminopathy (type); FILAMINOPATHY, AUTOSOMAL DOMINANT. Identifiers: Orphanet 171445, MedGen C1836050, MONDO:0012289, OMIM 609524.

Allele frequency attached by ClinVar (database versions not stated): gnomAD exomes below 0.00001.
gnomAD v4.1: 1 of 1,613,056 alleles (0.000062%); highest among the groups gnomAD compares: African/African-American, 0.0013%; no homozygotes.

Submission:

Labcorp Genetics (formerly Invitae), Labcorp
Classification: Likely pathogenic for Distal myopathy with posterior leg and anterior hand involvement; Myofibrillar myopathy 5; Hypertrophic cardiomyopathy 26. Last evaluated: 2024-03-08. Review status: criteria provided, single submitter. Criteria: Invitae Variant Classification Sherloc (09022015). Collection method: clinical testing. Allele origin: germline.
Comment: This sequence change affects a donor splice site in intron 10 of the FLNC gene. It is expected to disrupt RNA splicing. Variants that disrupt the donor or acceptor splice site typically lead to a loss of protein function (PMID: 16199547), and loss-of-function variants in FLNC are known to be pathogenic (PMID: 27908349). This variant is not present in population databases (gnomAD no frequency). Disruption of this splice site has been observed in individual(s) with clinical features of FLNC-related conditions (Invitae). ClinVar contains an entry for this variant (Variation ID: 478123). Algorithms developed to predict the effect of sequence changes on RNA splicing suggest that this variant may disrupt the consensus splice site. In summary, the currently available evidence indicates that the variant is pathogenic, but additional data are needed to prove that conclusively. Therefore, this variant has been classified as Likely Pathogenic.

Literature cited by the submitters: PubMed 16199547; PubMed 27908349.